The following is an entry in ClinVar:

NM_020461.4(TUBGCP6):c.912del (p.Gly305fs)

Gene: TUBGCP6 (tubulin gamma complex component 6; minus strand). Cytogenetic location: 22q13.33.
Variant type: Deletion.
Coding change: c.912del on transcript NM_020461.4 (MANE Select); coding-DNA position 912, one base deleted (T; older notation c.912delT).
Protein change: p.Gly305fs; shifts the reading frame from glycine 305.
Molecular consequence: frameshift variant.
Genome position (GRCh38, 1-based): chr22:50,233,520, A deleted on the plus strand (T on the coding strand, the reverse complement: TUBGCP6 is on the minus strand). VCF-style (leftmost placement, unchanged base first): chr22-50233519-CA-C. GRCh37 (hg19) VCF-style: chr22-50671948-CA-C.
Other names: short protein forms G305fs.
Identifiers: ClinVar variation 2799478 (VCV002799478.3), dbSNP rs758277011, ClinGen allele CA10308887.

ClinVar aggregate classification (germline): Pathogenic (1 of 4 stars; one submission).

Allele frequency attached by ClinVar (database versions not stated): ExAC 0.00001; gnomAD exomes 0.00001; TOPMed 0.00003; gnomAD 0.00001.

Submission:

Labcorp Genetics (formerly Invitae), Labcorp
Classification: Pathogenic. Last evaluated: 2025-10-08. Review status: criteria provided, single submitter. Criteria: Invitae Variant Classification Sherloc (09022015). Collection method: clinical testing. Allele origin: germline.
Comment: This sequence change creates a premature translational stop signal (p.Gly305Alafs*8) in the TUBGCP6 gene. It is expected to result in an absent or disrupted protein product. Loss-of-function variants in TUBGCP6 are known to be pathogenic (PMID: 25344692). This variant is present in population databases (rs758277011, gnomAD 0.005%). This variant has not been reported in the literature in individuals affected with TUBGCP6-related conditions. ClinVar contains an entry for this variant (Variation ID: 2799478). For these reasons, this variant has been classified as Pathogenic.

Literature cited by the submitters: PubMed 25344692.